The following is an entry in ClinVar:

ClinVar aggregate classification (germline): Conflicting classifications of pathogenicity. Review status: criteria provided, conflicting classifications (1 of 4 stars). 6 submissions from 6 submitters: Uncertain significance (1); Likely benign (4). 1 of the submissions does not count toward it. Last evaluated 2026-01-26.

Conditions:
Disorders of Intracellular Cobalamin Metabolism. Identifiers: MedGen CN043592.
Cobalamin C disease. Also called: Cobalamin-C methylmalonic acidemia and homocystinuria; Methylmalonic acidemia and homocystinuria cblC type; Methylmalonic aciduria with homocystinuria cblC type; methylmalonic aciduria and homocystinuria type cblC; Methylmalonic aciduria and homocystinuria, Vitamin B12-responsive; Vitamin B12 metabolic defect with combined deficiency of methylmalonyl-CoA mutase and homocysteine:methyltetrahydrofolate methyltransferase. Identifiers: Orphanet 26, Orphanet 79282, MedGen C1848561, MONDO:0010184, OMIM 277400.
MMACHC-related disorder. Also called: MMACHC-related condition.

Allele frequency attached by ClinVar (database versions not stated): gnomAD exomes 0.00005 and 0.00013; ExAC 0.00012; 1000 Genomes Project 30x 0.00016; 1000 Genomes Project 0.00020; gnomAD 0.00034 and 0.00038; TOPMed 0.00045; ESP Exome Variant Server 0.00057.
gnomAD v4.1: 129 of 1,613,842 alleles (0.008%); highest among the groups gnomAD compares: African/African-American, 0.13%; no homozygotes.

Submissions (6):

Labcorp Genetics (formerly Invitae), Labcorp
Classification: Likely benign for Cobalamin C disease. Last evaluated: 2026-01-26. Review status: criteria provided, single submitter. Criteria: Invitae Variant Classification Sherloc (09022015). Collection method: clinical testing. Allele origin: germline.

Mayo Clinic Laboratories, Mayo Clinic
Classification: Likely benign. Last evaluated: 2025-03-28. Review status: criteria provided, single submitter. Criteria: ACMG Guidelines, 2015. Collection method: clinical testing. Allele origin: germline. Observed: 3 variant alleles.
Comment: BP4, BP7

PreventionGenetics, part of Exact Sciences
Classification: Likely benign for MMACHC-related condition. Last evaluated: 2024-11-13. Review status: criteria provided, single submitter. Criteria: ACMG Guidelines, 2015. Collection method: clinical testing. Allele origin: germline.
Comment: This variant is classified as likely benign based on ACMG/AMP sequence variant interpretation guidelines (Richards et al. 2015 PMID: 25741868, with internal and published modifications).

Blueprint Genetics
Classification: Likely benign. Last evaluated: 2024-11-05. Review status: criteria provided, single submitter. Criteria: ACMG Guidelines, 2015. Collection method: clinical testing. Allele origin: germline.

Illumina Laboratory Services, Illumina
Classification: Uncertain significance for Disorders of Intracellular Cobalamin Metabolism. Last evaluated: 2018-01-13. Review status: criteria provided, single submitter. Criteria: ICSL Variant Classification Criteria 13 December 2019. Collection method: clinical testing. Allele origin: germline.

Natera, Inc.
Classification: Likely benign for Methylmalonic aciduria with homocystinuria cblC type. Last evaluated: 2020-09-16. Review status: no assertion criteria provided. Collection method: clinical testing. Allele origin: germline. Not counted in ClinVar's aggregate classification.

NM_015506.3(MMACHC):c.691T>C (p.Leu231=)

Gene: MMACHC (metabolism of cobalamin associated C; plus strand). Cytogenetic location: 1p34.1.
Variant type: single nucleotide variant.
Coding change: c.691T>C on transcript NM_015506.3 (MANE Select); coding-DNA position 691, T replaced by C.
Protein change: p.Leu231=; no amino-acid change (leucine 231 retained).
Molecular consequence: synonymous variant.
Genome position (GRCh38, 1-based): chr1:45,509,057, T>C. VCF-style: chr1-45509057-T-C. GRCh37 (hg19) VCF-style: chr1-45974729-T-C.
Other names: p.Leu231=; c.520T>C, p.Leu174= (NM_001330540.2).
Identifiers: ClinVar variation 297488 (VCV000297488.19), dbSNP rs373198842, ClinGen allele CA827835.